The following is an entry in ClinVar:

ClinVar aggregate classification (germline): Likely pathogenic (1 of 4 stars; one submission).

Conditions:
Heart defect - tongue hamartoma - polysyndactyly syndrome. Also called: Congenital heart defects, hamartomas of tongue, and polysyndactyly. Identifiers: Orphanet 1338, MedGen C1857587, MONDO:0009008, OMIM 217085.

Allele frequency attached by ClinVar (database versions not stated): gnomAD exomes below 0.00001.
gnomAD v4.1: 1 of 1,612,206 alleles (0.000062%); highest among the groups gnomAD compares: South Asian, 0.0011%; no homozygotes.

Submission:

Neuberg Centre For Genomic Medicine, NCGM
Classification: Likely pathogenic for Heart defect - tongue hamartoma - polysyndactyly syndrome. Review status: criteria provided, single submitter. Criteria: ACMG Guidelines, 2015. Collection method: clinical testing. Allele origin: germline. Inheritance: Autosomal recessive inheritance. Affected: yes.
Comment: The stop gained c.2101G>T (p.Glu701Ter) variant has not been reported previously as a pathogenic variant nor as a benign variant, to our knowledge. The p.Glu701Ter variant is novel (not in any individuals) in gnomAD Exomes and is novel (not in any individuals) in 1000 Genomes. This variant is predicted to cause loss of normal protein function through protein truncation. Loss of function variants have been previously reported to be disease causing. For these reasons, this variant has been classified as Likely Pathogenic.

NM_015910.7(WDPCP):c.2101G>T (p.Glu701Ter)

Gene: WDPCP (WD repeat containing planar cell polarity effector; minus strand). Cytogenetic location: 2p15.
Variant type: single nucleotide variant.
Coding change: c.2101G>T on transcript NM_015910.7 (MANE Select); coding-DNA position 2101, G replaced by T.
Protein change: p.Glu701Ter; replaces glutamic acid 701 with a stop codon.
Molecular consequence: nonsense. On other transcripts: non-coding transcript variant (3).
Genome position (GRCh38, 1-based): chr2:63,153,552, C>A on the plus strand (G>T on the coding strand, the complement: WDPCP is on the minus strand). VCF-style: chr2-63153552-C-A. GRCh37 (hg19) VCF-style: chr2-63380687-C-A.
Other names: c.1624G>T, p.Glu542Ter (NM_001042692.3); c.2029G>T, p.Glu677Ter (NM_001354044.2); short protein forms E542*, E677*, E701*.
Identifiers: ClinVar variation 2584976 (VCV002584976.1), dbSNP rs2469145265, ClinGen allele CA347061300.
Genomic context (GRCh38, chr2:63,153,552, plus strand): 5'-TACCTTCTGCATTACAGGTATTAGTCATCAAAAATCCAGAACAGATGTCTTTTTCAAGTT[C>A]ATTCCTTCTGTCAATTATTTGTCTGCAGTATATGGGTGTTTTTAATTGGAAAAAGGATTA-3'